The following is an entry in ClinVar:

ClinVar aggregate classification (germline): Conflicting classifications of pathogenicity. Review status: criteria provided, conflicting classifications (1 of 4 stars). 2 submissions from 2 submitters: Uncertain significance (1); Likely benign (1). Last evaluated 2025-07-30.

Conditions:
Epilepsy, familial focal, with variable foci 3 (FFEVF3). Identifiers: MedGen C4310708, MONDO:0014925, OMIM 617118.

Allele frequency attached by ClinVar (database versions not stated): gnomAD 0.00001; gnomAD exomes 0.00002; ExAC 0.00003.
gnomAD v4.1: 35 of 1,613,704 alleles (0.0022%); highest among the groups gnomAD compares: South Asian, 0.0077%; no homozygotes.

Submissions (2):

Labcorp Genetics (formerly Invitae), Labcorp
Classification: Uncertain significance for Epilepsy, familial focal, with variable foci 3. Last evaluated: 2025-07-30. Review status: criteria provided, single submitter. Criteria: Invitae Variant Classification Sherloc (09022015). Collection method: clinical testing. Allele origin: germline.
Comment: This sequence change replaces valine, which is neutral and non-polar, with isoleucine, which is neutral and non-polar, at codon 364 of the NPRL3 protein (p.Val364Ile). This variant is present in population databases (rs769246932, gnomAD 0.009%). This variant has not been reported in the literature in individuals affected with NPRL3-related conditions. ClinVar contains an entry for this variant (Variation ID: 1424797). Invitae Evidence Modeling of protein sequence and biophysical properties (such as structural, functional, and spatial information, amino acid conservation, physicochemical variation, residue mobility, and thermodynamic stability) indicates that this missense variant is not expected to disrupt NPRL3 protein function with a negative predictive value of 80%. In summary, the available evidence is currently insufficient to determine the role of this variant in disease. Therefore, it has been classified as a Variant of Uncertain Significance.

CeGaT Center for Human Genetics Tuebingen
Classification: Likely benign. Last evaluated: 2023-12-01. Review status: criteria provided, single submitter. Criteria: CeGaT Center For Human Genetics Tuebingen Variant Classification Criteria Version 2. Collection method: clinical testing. Allele origin: germline. Affected: yes. Observed: 1 variant allele.
Comment: NPRL3: BP4

NM_001077350.3(NPRL3):c.1090G>A (p.Val364Ile)

Genes: HBA-LCR (alpha-globin locus control region; plus strand), NPRL3 (NPR3 like, GATOR1 complex subunit; minus strand). Cytogenetic location: 16p13.3.
Variant type: single nucleotide variant.
Coding change: c.1090G>A on transcript NM_001077350.3 (MANE Select); coding-DNA position 1090, G replaced by A.
Protein change: p.Val364Ile; replaces valine 364 with isoleucine.
Molecular consequence: missense variant.
Genome position (GRCh38, 1-based): chr16:92,667, C>T on the plus strand (G>A on the coding strand, the complement: NPRL3 is on the minus strand). VCF-style: chr16-92667-C-T. GRCh37 (hg19) VCF-style: chr16-142665-C-T.
Other names: c.553G>A, p.Val185Ile (NM_001039476.3); c.856G>A, p.Val286Ile (NM_001243247.2); c.1015G>A, p.Val339Ile (NM_001243248.2, NM_001243249.2); short protein forms V286I, V185I, V339I, V364I.
Identifiers: ClinVar variation 1424797 (VCV001424797.28), dbSNP rs769246932, ClinGen allele CA7769453.